The following is an entry in ClinVar:

ClinVar aggregate classification (germline): Likely pathogenic (1 of 4 stars; one submission).

gnomAD v4.1: 7 of 1,613,918 alleles (0.00043%); highest among the groups gnomAD compares: African/African-American, 0.0013%; no homozygotes.

Submission:

Dasa
Classification: Likely pathogenic. Last evaluated: 2025-10-04. Review status: criteria provided, single submitter. Criteria: DASA Assertion Criteria. Collection method: clinical testing. Allele origin: germline.
Comment: NM_001556.3(IKBKB):c.1378C>T (p.Arg460*) is a nonsense variant in IKBKB predicted to introduce a premature termination codon and is predicted to result in an absent or altered protein product. Loss of function is an established disease mechanism for IKBKB-associated disorders. Also, this variant is rare in population databases. Based on the currently available evidence, this variant is classified as likely pathogenic.

NM_001556.3(IKBKB):c.1378C>T (p.Arg460Ter)

Gene: IKBKB (inhibitor of nuclear factor kappa B kinase subunit beta; plus strand). Cytogenetic location: 8p11.21.
Variant type: single nucleotide variant.
Coding change: c.1378C>T on transcript NM_001556.3 (MANE Select); coding-DNA position 1378, C replaced by T.
Protein change: p.Arg460Ter; replaces arginine 460 with a stop codon.
Molecular consequence: nonsense. On other transcripts: non-coding transcript variant (3).
Genome position (GRCh38, 1-based): chr8:42,319,283, C>T. VCF-style: chr8-42319283-C-T. GRCh37 (hg19) VCF-style: chr8-42176801-C-T.
Other names: c.1186C>T, p.Arg396Ter (NM_001190720.3); c.1201C>T, p.Arg401Ter (NM_001242778.2); short protein forms R396*, R401*, R460*.
Identifiers: ClinVar variation 4885049 (VCV004885049.2).
Genomic context (GRCh38, chr8:42,319,283, plus strand): 5'-TTTGGATCCCAGAGATGCTCCAAGACTGTTCCTTGTGGTCCCTGCAGGATGAATCTCCTC[C>T]GAAACAACAGCTGCCTCTCCAAAATGAAGAATTCCATGGCTTCCATGTCTCAGCAGCTCA-3'